The following is an entry in ClinVar:

ClinVar aggregate classification (germline): Uncertain significance (1 of 4 stars; one submission).

Allele frequency attached by ClinVar (database versions not stated): gnomAD 0.00001; gnomAD exomes 0.00001; TOPMed 0.00002.

Submission:

Labcorp Genetics (formerly Invitae), Labcorp
Classification: Uncertain significance. Last evaluated: 2022-08-31. Review status: criteria provided, single submitter. Criteria: Invitae Variant Classification Sherloc (09022015). Collection method: clinical testing. Allele origin: germline.
Comment: In summary, the available evidence is currently insufficient to determine the role of this variant in disease. Therefore, it has been classified as a Variant of Uncertain Significance. Algorithms developed to predict the effect of missense changes on protein structure and function (SIFT, PolyPhen-2, Align-GVGD) all suggest that this variant is likely to be tolerated. This variant has not been reported in the literature in individuals affected with ASCC1-related conditions. This variant is present in population databases (no rsID available, gnomAD 0.02%). This sequence change replaces arginine, which is basic and polar, with lysine, which is basic and polar, at codon 129 of the ASCC1 protein (p.Arg129Lys).

NM_001198800.3(ASCC1):c.386G>A (p.Arg129Lys)

Gene: ASCC1 (activating signal cointegrator 1 complex subunit 1; minus strand). Cytogenetic location: 10q22.1.
Variant type: single nucleotide variant.
Coding change: c.386G>A on transcript NM_001198800.3 (MANE Select); coding-DNA position 386, G replaced by A.
Protein change: p.Arg129Lys; replaces arginine 129 with lysine.
Molecular consequence: missense variant. On other transcripts: non-coding transcript variant (1).
Genome position (GRCh38, 1-based): chr10:72,196,914, C>T on the plus strand (G>A on the coding strand, the complement: ASCC1 is on the minus strand). VCF-style: chr10-72196914-C-T. GRCh37 (hg19) VCF-style: chr10-73956672-C-T.
Other names: c.386G>A, p.Arg129Lys (NM_001198798.2, NM_001369087.1, NM_001369088.1 and 18 more transcripts); c.470G>A, p.Arg157Lys (NM_001198799.3); c.452G>A, p.Arg151Lys (NM_001369085.1, NM_001369086.1, NM_001369099.1); c.269G>A, p.Arg90Lys (NM_001369101.1, NM_001369102.1, NM_001369105.1 and 2 more transcripts); short protein forms R129K, R151K, R157K, R90K.
Identifiers: ClinVar variation 1933319 (VCV001933319.5), dbSNP rs1479804978, ClinGen allele CA377161627.
Genomic context (GRCh38, chr10:72,196,914, plus strand): 5'-CCTTCCTGAACCTCAACTTCATTGAGGAAAAAGGCAAGGAAGTGAGTGAAGGGCTGCTTT[C>T]TTCGAAAAGTGTCCAAAAGAACATCAATCCGTGTTCGGGCTGAAATTACACCATTTCGAT-3'
Protein context (NP_001185729.1, residues 119-139): RIDVLLDTFR[Arg129Lys]KQPFTHFLAF